The following is an entry in ClinVar:

ClinVar aggregate classification (germline): Likely benign (0 of 4 stars; one submission).

Conditions:
SHANK1-related disorder. Also called: SHANK1-related condition.

Allele frequency attached by ClinVar (database versions not stated): 1000 Genomes Project 30x 0.00016.
gnomAD v4.1: 13 of 1,469,818 alleles (0.00088%); highest among the groups gnomAD compares: Admixed American, 0.0025%; no homozygotes.

Submission:

PreventionGenetics, part of Exact Sciences
Classification: Likely benign for SHANK1-related condition. Last evaluated: 2019-08-09. Review status: no assertion criteria provided. Collection method: clinical testing. Allele origin: germline.
Comment: This variant is classified as likely benign based on ACMG/AMP sequence variant interpretation guidelines (Richards et al. 2015 PMID: 25741868, with internal and published modifications).

NM_016148.5(SHANK1):c.1371G>A (p.Ala457=)

Gene: SHANK1 (SH3 and multiple ankyrin repeat domains 1; minus strand). Cytogenetic location: 19q13.33.
Variant type: single nucleotide variant.
Coding change: c.1371G>A on transcript NM_016148.5 (MANE Select); coding-DNA position 1371, G replaced by A.
Protein change: p.Ala457=; no amino-acid change (alanine 457 retained).
Molecular consequence: synonymous variant.
Genome position (GRCh38, 1-based): chr19:50,703,682, C>T on the plus strand (G>A on the coding strand, the complement: SHANK1 is on the minus strand). VCF-style: chr19-50703682-C-T. GRCh37 (hg19) VCF-style: chr19-51206939-C-T.
Identifiers: ClinVar variation 3035866 (VCV003035866.2), dbSNP rs1007850886, ClinGen allele CA309652419.